The following is an entry in ClinVar:

NM_000053.4(ATP7B):c.2583C>T (p.Ala861=)

Gene: ATP7B (ATPase copper transporting beta; minus strand). Cytogenetic location: 13q14.3.
Variant type: single nucleotide variant.
Coding change: c.2583C>T on transcript NM_000053.4 (MANE Select); coding-DNA position 2583, C replaced by T.
Protein change: p.Ala861=; no amino-acid change (alanine 861 retained).
Molecular consequence: synonymous variant.
Genome position (GRCh38, 1-based): chr13:51,950,154, G>A on the plus strand (C>T on the coding strand, the complement: ATP7B is on the minus strand). VCF-style: chr13-51950154-G-A. GRCh37 (hg19) VCF-style: chr13-52524290-G-A.
Other names: c.2097C>T, p.Ala699= (NM_001005918.3); c.2250C>T, p.Ala750= (NM_001243182.2); c.2349C>T, p.Ala783= (NM_001330578.2); c.2331C>T, p.Ala777= (NM_001330579.2).
Identifiers: ClinVar variation 526664 (VCV000526664.15), dbSNP rs565717791, ClinGen allele CA6988951.
Genomic context (GRCh38, chr13:51,950,154, plus strand): 5'-GCCATGTGCATTTATAGACCCCGCAATTACAGTGCTTCCGGGTTTCTTAGTGACTGGCAT[G>A]GCTTCTCCTAGACGTAGGAAAGAGACAACTGTCACTTGCTCAGCCCCATCCAGCACTCAT-3'
Protein context (NP_000044.2, residues 851-871): MADESLITGE[Ala861=]MPVTKKPGST

ClinVar aggregate classification (germline): Benign/Likely benign. Review status: criteria provided, multiple submitters, no conflicts (2 of 4 stars). 4 submissions from 4 submitters: Benign (1); Likely benign (3). Last evaluated 2026-02-02.

Conditions:
Inborn genetic diseases. Identifiers: MedGen C0950123, MeSH D030342.
Wilson disease (WND). Also called: Wilson's disease. Identifiers: Orphanet 905, MedGen C0019202, MONDO:0010200, OMIM 277900. Disease mechanism: loss of function.

Allele frequency attached by ClinVar (database versions not stated): gnomAD exomes 0.00006 and 0.00026; gnomAD 0.00007 and 0.00013; TOPMed 0.00008; ExAC 0.00029; 1000 Genomes Project 0.00120; 1000 Genomes Project 30x 0.00125.
gnomAD v4.1: 109 of 1,614,162 alleles (0.0068%); highest among the groups gnomAD compares: East Asian, 0.22%; no homozygotes.

Submissions (4):

Labcorp Genetics (formerly Invitae), Labcorp
Classification: Benign for Wilson disease. Last evaluated: 2026-02-02. Review status: criteria provided, single submitter. Criteria: Invitae Variant Classification Sherloc (09022015). Collection method: clinical testing. Allele origin: germline.

Ambry Genetics
Classification: Likely benign for Inborn genetic diseases. Last evaluated: 2024-02-18. Review status: criteria provided, single submitter. Criteria: Ambry Variant Classification Scheme 2023. Collection method: clinical testing. Allele origin: germline.

All of Us Research Program, National Institutes of Health
Classification: Likely benign for Wilson disease. Last evaluated: 2024-02-05. Review status: criteria provided, single submitter. Criteria: ACMG Guidelines, 2015. Collection method: clinical testing. Allele origin: germline. Inheritance: Autosomal recessive inheritance. Observed: 27 variant alleles, 27 heterozygotes.
Comment: This study involves interpretation of variants in research participants for the purpose of population health screening. Participant phenotype was not available at the time of variant classification. Additional details can be found in publication PMID: 35346344, PMCID: PMC8962531

Color Diagnostics, LLC DBA Color Health
Classification: Likely benign for Wilson disease. Last evaluated: 2022-08-05. Review status: criteria provided, single submitter. Criteria: ACMG Guidelines, 2015. Collection method: clinical testing. Allele origin: germline.